The following is an entry in ClinVar:

NM_001253697.2(ERBIN):c.1796A>C (p.Glu599Ala)

Gene: ERBIN (erbb2 interacting protein; plus strand). Cytogenetic location: 5q12.3.
Variant type: single nucleotide variant.
Coding change: c.1796A>C on transcript NM_001253697.2 (MANE Select); coding-DNA position 1796, A replaced by C.
Protein change: p.Glu599Ala; replaces glutamic acid 599 with alanine.
Molecular consequence: missense variant.
Genome position (GRCh38, 1-based): chr5:66,048,674, A>C. VCF-style: chr5-66048674-A-C. GRCh37 (hg19) VCF-style: chr5-65344502-A-C.
Other names: c.1796A>C, p.Glu599Ala (NM_001006600.3, NM_001253698.2, NM_001253699.2 and 1 more transcripts); c.1784A>C, p.Glu595Ala (NM_001253701.2); short protein forms E595A, E599A.
Identifiers: ClinVar variation 1961356 (VCV001961356.5), dbSNP rs375586704, ClinGen allele CA119864066.

ClinVar aggregate classification (germline): Uncertain significance (1 of 4 stars; one submission).

Allele frequency attached by ClinVar (database versions not stated): gnomAD exomes below 0.00001; gnomAD 0.00003; TOPMed 0.00003; ESP Exome Variant Server 0.00008.
gnomAD v4.1: 5 of 1,603,468 alleles (0.00031%); highest among the groups gnomAD compares: African/African-American, 0.0013%; no homozygotes.

Submission:

Labcorp Genetics (formerly Invitae), Labcorp
Classification: Uncertain significance. Last evaluated: 2022-07-03. Review status: criteria provided, single submitter. Criteria: Invitae Variant Classification Sherloc (09022015). Collection method: clinical testing. Allele origin: germline.
Comment: In summary, the available evidence is currently insufficient to determine the role of this variant in disease. Therefore, it has been classified as a Variant of Uncertain Significance. Algorithms developed to predict the effect of missense changes on protein structure and function are either unavailable or do not agree on the potential impact of this missense change (SIFT: "Deleterious"; PolyPhen-2: "Possibly Damaging"; Align-GVGD: "Class C0"). This variant has not been reported in the literature in individuals affected with ERBIN-related conditions. This variant is not present in population databases (gnomAD no frequency). This sequence change replaces glutamic acid, which is acidic and polar, with alanine, which is neutral and non-polar, at codon 599 of the ERBIN protein (p.Glu599Ala).